The following is an entry in ClinVar:

ClinVar aggregate classification (germline): Uncertain significance (1 of 4 stars; one submission).

Conditions:
Nemaline myopathy 8 (NEM8). Also called: Nemaline myopathy 8, autosomal recessive. Identifiers: Orphanet 171430, MedGen C3809209, MONDO:0014138, OMIM 615348.

Allele frequency attached by ClinVar (database versions not stated): gnomAD exomes below 0.00001; gnomAD 0.00002; TOPMed 0.00002.
gnomAD v4.1: 7 of 1,613,886 alleles (0.00043%); highest among the groups gnomAD compares: African/African-American, 0.0093%; no homozygotes.

Submission:

Labcorp Genetics (formerly Invitae), Labcorp
Classification: Uncertain significance for Nemaline myopathy 8. Last evaluated: 2022-08-23. Review status: criteria provided, single submitter. Criteria: Invitae Variant Classification Sherloc (09022015). Collection method: clinical testing. Allele origin: germline.
Comment: This sequence change replaces methionine, which is neutral and non-polar, with threonine, which is neutral and polar, at codon 480 of the KLHL40 protein (p.Met480Thr). This variant is present in population databases (no rsID available, gnomAD 0.007%). This variant has not been reported in the literature in individuals affected with KLHL40-related conditions. ClinVar contains an entry for this variant (Variation ID: 848376). Algorithms developed to predict the effect of missense changes on protein structure and function output the following: SIFT: "Deleterious"; PolyPhen-2: "Benign"; Align-GVGD: "Class C0". The threonine amino acid residue is found in multiple mammalian species, which suggests that this missense change does not adversely affect protein function. In summary, the available evidence is currently insufficient to determine the role of this variant in disease. Therefore, it has been classified as a Variant of Uncertain Significance.

NM_152393.4(KLHL40):c.1439T>C (p.Met480Thr)

Gene: KLHL40 (kelch like family member 40; plus strand). Cytogenetic location: 3p22.1.
Variant type: single nucleotide variant.
Coding change: c.1439T>C on transcript NM_152393.4 (MANE Select); coding-DNA position 1439, T replaced by C.
Protein change: p.Met480Thr; replaces methionine 480 with threonine.
Molecular consequence: missense variant.
Genome position (GRCh38, 1-based): chr3:42,688,886, T>C. VCF-style: chr3-42688886-T-C. GRCh37 (hg19) VCF-style: chr3-42730378-T-C.
Other names: short protein forms M480T.
Identifiers: ClinVar variation 848376 (VCV000848376.5), dbSNP rs920578484, ClinGen allele CA74193629.